The following is an entry in ClinVar:

ClinVar aggregate classification (germline): Uncertain significance (1 of 4 stars; one submission).

Submission:

Labcorp Genetics (formerly Invitae), Labcorp
Classification: Uncertain significance. Last evaluated: 2024-11-05. Review status: criteria provided, single submitter. Criteria: Invitae Variant Classification Sherloc (09022015). Collection method: clinical testing. Allele origin: germline.
Comment: This sequence change replaces serine, which is neutral and polar, with glycine, which is neutral and non-polar, at codon 159 of the SLC24A1 protein (p.Ser159Gly). This variant is not present in population databases (gnomAD no frequency). This variant has not been reported in the literature in individuals affected with SLC24A1-related conditions. ClinVar contains an entry for this variant (Variation ID: 1485232). An algorithm developed to predict the effect of missense changes on protein structure and function outputs the following: PolyPhen-2: "Benign". The glycine amino acid residue is found in multiple mammalian species, which suggests that this missense change does not adversely affect protein function. In summary, the available evidence is currently insufficient to determine the role of this variant in disease. Therefore, it has been classified as a Variant of Uncertain Significance.

NM_004727.3(SLC24A1):c.475A>G (p.Ser159Gly)

Gene: SLC24A1 (solute carrier family 24 member 1; plus strand). Cytogenetic location: 15q22.31.
Variant type: single nucleotide variant.
Coding change: c.475A>G on transcript NM_004727.3 (MANE Select); coding-DNA position 475, A replaced by G.
Protein change: p.Ser159Gly; replaces serine 159 with glycine.
Molecular consequence: missense variant.
Genome position (GRCh38, 1-based): chr15:65,624,555, A>G. VCF-style: chr15-65624555-A-G. GRCh37 (hg19) VCF-style: chr15-65916893-A-G.
Other names: c.475A>G, p.Ser159Gly (NM_001301031.1, NM_001301032.1, NM_001301033.2); short protein forms S159G.
Identifiers: ClinVar variation 1485232 (VCV001485232.6), dbSNP rs2141459866, ClinGen allele CA392913965.